The following is an entry in ClinVar:

NM_002485.5(NBN):c.339G>T (p.Leu113Phe)

Gene: NBN (nibrin; minus strand). Cytogenetic location: 8q21.3.
Variant type: single nucleotide variant.
Coding change: c.339G>T on transcript NM_002485.5 (MANE Select); coding-DNA position 339, G replaced by T.
Protein change: p.Leu113Phe; replaces leucine 113 with phenylalanine.
Molecular consequence: missense variant.
Genome position (GRCh38, 1-based): chr8:89,980,875, C>A on the plus strand (G>T on the coding strand, the complement: NBN is on the minus strand). VCF-style: chr8-89980875-C-A. GRCh37 (hg19) VCF-style: chr8-90993103-C-A.
Other names: c.93G>T, p.Leu31Phe (NM_001024688.3); short protein forms L113F, L31F.
Identifiers: ClinVar variation 1060183 (VCV001060183.9), dbSNP rs774622977, ClinGen allele CA371662127.

ClinVar aggregate classification (germline): Uncertain significance (1 of 4 stars; one submission).

Conditions:
Microcephaly, normal intelligence and immunodeficiency (NBS). Also called: BERLIN BREAKAGE SYNDROME; SEEMANOVA SYNDROME II; Immunodeficiency, microcephaly with normal intelligence; Nijmegen breakage syndrome; Microcephaly with normal intelligence immunodeficiency and lymphoreticular malignancies; Nonsyndromal microcephaly autosomal recessive with normal intelligence. Identifiers: Orphanet 647, MedGen C0398791, MONDO:0009623, OMIM 251260.

Submission:

Labcorp Genetics (formerly Invitae), Labcorp
Classification: Uncertain significance for Microcephaly, normal intelligence and immunodeficiency. Last evaluated: 2020-10-06. Review status: criteria provided, single submitter. Criteria: Invitae Variant Classification Sherloc (09022015). Collection method: clinical testing. Allele origin: germline.
Comment: In summary, the available evidence is currently insufficient to determine the role of this variant in disease. Therefore, it has been classified as a Variant of Uncertain Significance. Algorithms developed to predict the effect of missense changes on protein structure and function are either unavailable or do not agree on the potential impact of this missense change (SIFT: "Tolerated"; PolyPhen-2: "Possibly Damaging"; Align-GVGD: "Class C0"). This variant has not been reported in the literature in individuals with NBN-related conditions. This variant is not present in population databases (ExAC no frequency). This sequence change replaces leucine with phenylalanine at codon 113 of the NBN protein (p.Leu113Phe). The leucine residue is moderately conserved and there is a small physicochemical difference between leucine and phenylalanine.